The following is an entry in ClinVar:

ClinVar aggregate classification (germline): Pathogenic/Likely pathogenic. Review status: criteria provided, multiple submitters, no conflicts (2 of 4 stars). 6 submissions from 6 submitters: Pathogenic (4); Likely pathogenic (2). Last evaluated 2026-07-17.

Conditions:
USP53-related disorder. Also called: USP53-related condition.
Cholestasis. Identifiers: MedGen C0008370, MONDO:0001751, HP:0001396.
Cholestasis, progressive familial intrahepatic, 7, with or without hearing loss. Identifiers: MedGen C5562043, MONDO:0030503, OMIM 619658.

Allele frequency attached by ClinVar (database versions not stated): gnomAD 0.00005 and 0.00006; gnomAD exomes 0.00007 and 0.00014; TOPMed 0.00011; ExAC 0.00016; ESP Exome Variant Server 0.00017.
gnomAD v4.1: 99 of 1,478,462 alleles (0.0067%); highest among the groups gnomAD compares: East Asian, 0.058%; no homozygotes.

Submissions (6):

PreventionGenetics, part of Exact Sciences
Classification: Likely pathogenic for USP53-related condition. Last evaluated: 2026-07-17. Review status: criteria provided, single submitter. Criteria: ACMG Guidelines, 2015. Collection method: clinical testing. Allele origin: germline.
Comment: The USP53 c.1426C>T variant is predicted to result in premature protein termination (p.Arg476*). This variant has been reported with a second USP53 variant in an individual with intrahepatic cholestasis (Zhang et al. 2020. PubMed ID: 32124521). This variant is reported in 0.10% of alleles in individuals of East Asian descent in gnomAD and is interpreted as likely pathogenic/pathogenic in the ClinVar database (Variation ID: 694480). Nonsense variants in USP53 are expected to be pathogenic. This variant is interpreted as likely pathogenic.

Genetics and Genomic Medicine Centre, NeuroGen Healthcare, NeuroGen Healthcare
Classification: Pathogenic for Cholestasis, progressive familial intrahepatic, 7, with or without hearing loss. Last evaluated: 2026-02-10. Review status: criteria provided, single submitter. Criteria: ACMG Guidelines, 2015. Collection method: clinical testing. Allele origin: unknown. Affected: yes.

Labcorp Genetics (formerly Invitae), Labcorp
Classification: Pathogenic. Last evaluated: 2025-12-15. Review status: criteria provided, single submitter. Criteria: Invitae Variant Classification Sherloc (09022015). Collection method: clinical testing. Allele origin: germline.
Comment: This sequence change creates a premature translational stop signal (p.Arg476*) in the USP53 gene. It is expected to result in an absent or disrupted protein product. Loss-of-function variants in USP53 are known to be pathogenic (PMID: 32124521, 32759993). This variant is present in population databases (rs199791850, gnomAD 0.1%). This premature translational stop signal has been observed in individual(s) with cholestasis (PMID: 32124521). ClinVar contains an entry for this variant (Variation ID: 694480). For these reasons, this variant has been classified as Pathogenic.

Institute of Human Genetics, Heidelberg University
Classification: Likely pathogenic for Cholestasis, progressive familial intrahepatic, 7, with or without hearing loss. Last evaluated: 2024-12-18. Review status: criteria provided, single submitter. Criteria: ACMG Guidelines, 2015. Collection method: clinical testing. Allele origin: maternal.

The Center for Pediatric Liver Diseases, Children’s Hospital of Fudan University
Classification: Pathogenic for cholestasis. Last evaluated: 2019-10-15. Review status: criteria provided, single submitter. Criteria: ACMG Guidelines, 2015. Collection method: clinical testing. Allele origin: somatic. Affected: yes.

Juno Genomics, Hangzhou Juno Genomics, Inc
Classification: Pathogenic for Cholestasis, progressive familial intrahepatic, 7, with or without hearing loss. Review status: criteria provided, single submitter. Criteria: ACMG Guidelines, 2015. Collection method: clinical testing. Allele origin: germline.
Comment: Absent from controls (or at extremely low frequency if recessive) in Genome Aggregation Database.;Null variant in a gene where loss of function (LOF) is a known mechanism of disease.;For recessive disorders, detected in trans with a pathogenic variant.

Literature cited by the submitters: PubMed 32124521 (cited by Labcorp Genetics (formerly Invitae), Labcorp); PubMed 32759993 (cited by Labcorp Genetics (formerly Invitae), Labcorp).

NM_001371395.1(USP53):c.1426C>T (p.Arg476Ter)

Gene: USP53 (ubiquitin specific peptidase 53; plus strand). Cytogenetic location: 4q26.
Variant type: single nucleotide variant.
Coding change: c.1426C>T on transcript NM_001371395.1 (MANE Select); coding-DNA position 1426, C replaced by T.
Protein change: p.Arg476Ter; replaces arginine 476 with a stop codon.
Molecular consequence: nonsense.
Genome position (GRCh38, 1-based): chr4:119,269,828, C>T. VCF-style: chr4-119269828-C-T. GRCh37 (hg19) VCF-style: chr4-120190983-C-T.
Other names: c.1273C>T, p.Arg425Ter (NM_001371396.1, NM_001389661.1); c.1426C>T, p.Arg476Ter (NM_001371397.1, NM_001371398.1, NM_001371399.1 and 3 more transcripts); c.1276C>T, p.Arg426Ter (NM_001389660.1); c.1078C>T, p.Arg360Ter (NM_001389662.1, NM_001389663.1, NM_001389664.1 and 1 more transcripts); c.925C>T, p.Arg309Ter (NM_001389665.1, NM_001389667.1); short protein forms R425*, R476*, R309*, R360*, R426*.
Identifiers: ClinVar variation 694480 (VCV000694480.7), dbSNP rs199791850, ClinGen allele CA3059142.